The following is an entry in ClinVar:

ClinVar aggregate classification (germline): Uncertain significance (1 of 4 stars; one submission).

Submission:

Ambry Genetics
Classification: Uncertain significance. Last evaluated: 2021-06-25. Review status: criteria provided, single submitter. Criteria: Ambry Variant Classification Scheme 2023. Collection method: clinical testing. Allele origin: germline.
Comment: The p.Q2351R variant (also known as c.7052A>G), located in coding exon 53 of the PRKDC gene, results from an A to G substitution at nucleotide position 7052. The glutamine at codon 2351 is replaced by arginine, an amino acid with highly similar properties. This amino acid position is conserved. Since supporting evidence is limited at this time, the clinical significance of this alteration remains unclear.

NM_006904.7(PRKDC):c.7052A>G (p.Gln2351Arg)

Gene: PRKDC (protein kinase, DNA-activated, catalytic subunit; minus strand). Cytogenetic location: 8q11.21.
Variant type: single nucleotide variant.
Coding change: c.7052A>G on transcript NM_006904.7 (MANE Select); coding-DNA position 7052, A replaced by G.
Protein change: p.Gln2351Arg; replaces glutamine 2351 with arginine.
Molecular consequence: missense variant.
Genome position (GRCh38, 1-based): chr8:47,849,457, T>C on the plus strand (A>G on the coding strand, the complement: PRKDC is on the minus strand). VCF-style: chr8-47849457-T-C. GRCh37 (hg19) VCF-style: chr8-48762018-T-C.
Other names: c.7052A>G, p.Gln2351Arg (NM_001081640.2); short protein forms Q2351R.
Identifiers: ClinVar variation 1756896 (VCV001756896.2), dbSNP rs2551868742, ClinGen allele CA371157968.